The following is an entry in ClinVar:

NM_000824.5(GLRB):c.1479G>T (p.Trp493Cys)

Gene: GLRB (glycine receptor beta; plus strand). Cytogenetic location: 4q32.1.
Variant type: single nucleotide variant.
Coding change: c.1479G>T on transcript NM_000824.5 (MANE Select); coding-DNA position 1479, G replaced by T.
Protein change: p.Trp493Cys; replaces tryptophan 493 with cysteine.
Molecular consequence: missense variant. On other transcripts: 3 prime UTR variant (1).
Genome position (GRCh38, 1-based): chr4:157,170,713, G>T. VCF-style: chr4-157170713-G-T. GRCh37 (hg19) VCF-style: chr4-158091865-G-T.
Other names: c.1479G>T, p.Trp493Cys (NM_001166060.2); c.*274G>T (NM_001166061.2); short protein forms W493C.
Identifiers: ClinVar variation 1443260 (VCV001443260.6), dbSNP rs2126638209, ClinGen allele CA358645476.

ClinVar aggregate classification (germline): Uncertain significance (1 of 4 stars; one submission).

Conditions:
Hyperekplexia 2 (HKPX2). Identifiers: Orphanet 3197, MedGen C3553291, MONDO:0013828, OMIM 614619.

Allele frequency attached by ClinVar (database versions not stated): gnomAD exomes 0.00001.
gnomAD v4.1: 10 of 1,519,258 alleles (0.00066%); highest among the groups gnomAD compares: Non-Finnish European, 0.0009%; no homozygotes.

Submission:

Labcorp Genetics (formerly Invitae), Labcorp
Classification: Uncertain significance for Hyperekplexia 2. Last evaluated: 2021-12-06. Review status: criteria provided, single submitter. Criteria: Invitae Variant Classification Sherloc (09022015). Collection method: clinical testing. Allele origin: germline.
Comment: In summary, the available evidence is currently insufficient to determine the role of this variant in disease. Therefore, it has been classified as a Variant of Uncertain Significance. Algorithms developed to predict the effect of missense changes on protein structure and function (SIFT, PolyPhen-2, Align-GVGD) all suggest that this variant is likely to be disruptive. This variant has not been reported in the literature in individuals affected with GLRB-related conditions. This variant is not present in population databases (gnomAD no frequency). This sequence change replaces tryptophan, which is neutral and slightly polar, with cysteine, which is neutral and slightly polar, at codon 493 of the GLRB protein (p.Trp493Cys).